The following is an entry in ClinVar:

NM_022051.3(EGLN1):c.965G>A (p.Arg322Lys)

Gene: EGLN1 (egl-9 family hypoxia inducible factor 1; minus strand). Cytogenetic location: 1q42.2.
Variant type: single nucleotide variant.
Coding change: c.965G>A on transcript NM_022051.3 (MANE Select); coding-DNA position 965, G replaced by A.
Protein change: p.Arg322Lys; replaces arginine 322 with lysine.
Molecular consequence: missense variant.
Genome position (GRCh38, 1-based): chr1:231,374,026, C>T on the plus strand (G>A on the coding strand, the complement: EGLN1 is on the minus strand). VCF-style: chr1-231374026-C-T. GRCh37 (hg19) VCF-style: chr1-231509772-C-T.
Other names: c.965G>A, p.Arg322Lys (NM_001377260.1, NM_001377261.1); short protein forms R322K.
Identifiers: ClinVar variation 3507220 (VCV003507220.1).

ClinVar aggregate classification (germline): Uncertain significance (1 of 4 stars; one submission).

Submission:

Ambry Genetics
Classification: Uncertain significance. Last evaluated: 2024-08-25. Review status: criteria provided, single submitter. Criteria: Ambry Variant Classification Scheme 2023. Collection method: clinical testing. Allele origin: germline.
Comment: The p.R322K variant (also known as c.965G>A), located in coding exon 2 of the EGLN1 gene, results from a G to A substitution at nucleotide position 965. The arginine at codon 322 is replaced by lysine, an amino acid with highly similar properties. This amino acid position is conserved. In addition, this alteration is predicted to be deleterious by in silico analysis. Based on the available evidence, the clinical significance of this variant remains unclear.